The following is an entry in ClinVar:

ClinVar aggregate classification (germline): Uncertain significance (1 of 4 stars; one submission).

Conditions:
Angelman syndrome (AS). Also called: HAPPY PUPPET SYNDROME. Identifiers: Orphanet 72, MedGen C0162635, MONDO:0007113, OMIM 105830. Disease mechanism: loss of function. Inheritance: AS is caused by disruption of maternally imprinted UBE3A located within the 15q11.2-q13 Angelman syndrome/Prader-Willi syndrome (AS/PWS) region., imprinting disorder.

Submission:

Institute of Human Genetics, University of Leipzig Medical Center
Classification: Uncertain significance for Angelman syndrome. Last evaluated: 2024-08-20. Review status: criteria provided, single submitter. Criteria: ACMG Guidelines, 2015. Collection method: clinical testing. Allele origin: maternal. Inheritance: Autosomal dominant inheritance. Affected: yes.
Comment: Criteria applied: PM2,PM4_SUP

NM_130839.5(UBE3A):c.113_117delinsAT (p.Thr38_Glu39delinsAsn)

Genes: SNHG14 (small nucleolar RNA host gene 14; plus strand), UBE3A (ubiquitin protein ligase E3A; minus strand). Cytogenetic location: 15q11.2.
Variant type: Indel.
Coding change: c.113_117delinsAT on transcript NM_130839.5 (MANE Select); coding-DNA positions 113 to 117, CTGAG replaced by AT.
Protein change: p.Thr38_Glu39delinsAsn.
Molecular consequence: inframe indel. On other transcripts: 5 prime UTR variant (1), non-coding transcript variant (1).
Genome position (GRCh38, 1-based): chr15:25,375,709-25,375,713, CTCAG replaced by AT on the plus strand (CTGAG replaced by AT on the coding strand, the reverse complement: UBE3A is on the minus strand). VCF-style: chr15-25375709-CTCAG-AT. GRCh37 (hg19) VCF-style: chr15-25620856-CTCAG-AT.
Other names: c.122_126delinsAT, p.Thr41_Glu42delinsAsn (NM_000462.5); c.113_117delinsAT, p.Thr38_Glu39delinsAsn (NM_001354505.1, NM_001354538.2, NM_001354545.2 and 1 more transcripts); c.53_57delinsAT, p.Thr18_Glu19delinsAsn (NM_001354506.2, NM_001354507.2, NM_001354508.2 and 18 more transcripts); c.-65_-61delinsAT (NM_001354546.2).
Identifiers: ClinVar variation 3359071 (VCV003359071.3).
Genomic context (GRCh38, chr15:25,375,709, plus strand): 5'-ACGAAGAAAAGTTGGACAGGAAGCACAAAACTCATTCGTGCAGGCTTCATTTCCACAGCC[CTCAG>AT]TTAACTGGTGGTAGTAGCGTTCTATTAGATGCTTTGCAGCTGCTCGCTTCCTGTACCAAA-3'